The following is an entry in ClinVar:

NM_153717.3(EVC):c.1887-3A>G

Gene: EVC (EvC ciliary complex subunit 1; plus strand). Cytogenetic location: 4p16.2.
Variant type: single nucleotide variant.
Coding change: c.1887-3A>G on transcript NM_153717.3 (MANE Select); 3 bases into the intron before coding-DNA position 1887, A replaced by G.
Molecular consequence: intron variant.
Genome position (GRCh38, 1-based): chr4:5,797,019, A>G. VCF-style: chr4-5797019-A-G. GRCh37 (hg19) VCF-style: chr4-5798746-A-G.
Other names: c.1887-3A>G (NM_001306090.2).
Identifiers: ClinVar variation 4853904 (VCV004853904.1).

ClinVar aggregate classification (germline): Uncertain significance (1 of 4 stars; one submission).

Conditions:
Ellis-van Creveld syndrome (EVC). Also called: MESOECTODERMAL DYSPLASIA; Chondroectodermal dysplasia. Identifiers: Orphanet 289, MedGen C0013903, MONDO:0009162, OMIM 225500.

Submission:

3billion
Classification: Uncertain significance for Ellis-van Creveld syndrome. Last evaluated: 2025-06-11. Review status: criteria provided, single submitter. Criteria: ACMG Guidelines, 2015. Collection method: clinical testing. Allele origin: germline. Affected: yes.
Comment: The variant is observed at an extremely low frequency in the gnomAD v4.1.0 dataset (total allele frequency: <0.001%). Predicted Consequence/Location: Intron variant In silico tools predict the variant to alter splicing and produce an abnormal transcript [SpliceAI: 0.89 (>=0.2, moderate evidence for spliceogenicity)]. The variant has been reported at least twice as pathogenic with clinical assertions and evidence for the classification (ClinVar ID: VCV000558765 /PMID: 33875766). Therefore, this variant is classified as Likely pathogenic according to the recommendation of ACMG/AMP guideline.